The following is an entry in ClinVar:

ClinVar aggregate classification (germline): Uncertain significance (1 of 4 stars; one submission).

Allele frequency attached by ClinVar (database versions not stated): gnomAD 0.00001; gnomAD exomes 0.00001; TOPMed 0.00002.
gnomAD v4.1: 11 of 1,536,160 alleles (0.00072%); highest among the groups gnomAD compares: Admixed American, 0.018%; no homozygotes.

Submission:

Labcorp Genetics (formerly Invitae), Labcorp
Classification: Uncertain significance. Last evaluated: 2023-05-04. Review status: criteria provided, single submitter. Criteria: Invitae Variant Classification Sherloc (09022015). Collection method: clinical testing. Allele origin: germline.
Comment: This variant is present in population databases (no rsID available, gnomAD 0.03%). This variant has not been reported in the literature in individuals affected with FMN1-related conditions. In summary, the available evidence is currently insufficient to determine the role of this variant in disease. Therefore, it has been classified as a Variant of Uncertain Significance. This sequence change replaces leucine, which is neutral and non-polar, with valine, which is neutral and non-polar, at codon 538 of the FMN1 protein (p.Leu538Val). The FMN1 gene has multiple clinically relevant transcripts. This variant occurs in alternate transcript NM_001277314.1, and corresponds to NM_001103184.3 c.-85419C>G in the primary transcript.

NM_001277313.2(FMN1):c.1612C>G (p.Leu538Val)

Gene: FMN1 (formin 1; minus strand). Cytogenetic location: 15q13.3.
Variant type: single nucleotide variant.
Coding change: c.1612C>G on transcript NM_001277313.2 (MANE Select); coding-DNA position 1612, C replaced by G.
Protein change: p.Leu538Val; replaces leucine 538 with valine.
Molecular consequence: missense variant.
Genome position (GRCh38, 1-based): chr15:33,153,303, G>C on the plus strand (C>G on the coding strand, the complement: FMN1 is on the minus strand). VCF-style: chr15-33153303-G-C. GRCh37 (hg19) VCF-style: chr15-33445504-G-C.
Other names: c.1612C>G, p.Leu538Val (NM_001277314.2); short protein forms L538V.
Identifiers: ClinVar variation 2899891 (VCV002899891.3), dbSNP rs1222491040, ClinGen allele CA391907313.